The following is an entry in ClinVar:

NM_018051.5(DYNC2I1):c.2285G>A (p.Arg762Gln)

Gene: DYNC2I1 (dynein 2 intermediate chain 1; plus strand). Cytogenetic location: 7q36.3.
Variant type: single nucleotide variant.
Coding change: c.2285G>A on transcript NM_018051.5 (MANE Select); coding-DNA position 2285, G replaced by A.
Protein change: p.Arg762Gln; replaces arginine 762 with glutamine.
Molecular consequence: missense variant.
Genome position (GRCh38, 1-based): chr7:158,926,214, G>A. VCF-style: chr7-158926214-G-A. GRCh37 (hg19) VCF-style: chr7-158718905-G-A.
Other names: c.2147G>A, p.Arg716Gln (NM_001350914.2); c.1712G>A, p.Arg571Gln (NM_001350915.2); c.824G>A, p.Arg275Gln (NM_001350916.2); c.1037G>A, p.Arg346Gln (NM_001350917.2, NM_001350918.2); short protein forms R346Q, R762Q, R275Q, R716Q, R571Q.
Identifiers: ClinVar variation 3721093 (VCV003721093.2).

ClinVar aggregate classification (germline): Uncertain significance (1 of 4 stars; one submission).

Conditions:
Short-rib thoracic dysplasia 8 with or without polydactyly (SRTD8). Also called: SHORT-RIB THORACIC DYSPLASIA 8 WITH POLYDACTYLY. Identifiers: Orphanet 93271, MedGen C3809691, MONDO:0014214, OMIM 615503.

gnomAD v4.1: 33 of 1,613,358 alleles (0.002%); highest among the groups gnomAD compares: Middle Eastern, 0.016%; no homozygotes.

Submission:

Labcorp Genetics (formerly Invitae), Labcorp
Classification: Uncertain significance for Short-rib thoracic dysplasia 8 with or without polydactyly. Last evaluated: 2024-06-10. Review status: criteria provided, single submitter. Criteria: Invitae Variant Classification Sherloc (09022015). Collection method: clinical testing. Allele origin: germline.
Comment: This sequence change replaces arginine, which is basic and polar, with glutamine, which is neutral and polar, at codon 762 of the WDR60 protein (p.Arg762Gln). The frequency data for this variant in the population databases is considered unreliable, as metrics indicate poor data quality at this position in the gnomAD database. This variant has not been reported in the literature in individuals affected with WDR60-related conditions. Algorithms developed to predict the effect of missense changes on protein structure and function output the following: SIFT: "Not Available"; PolyPhen-2: "Benign"; Align-GVGD: "Not Available". The glutamine amino acid residue is found in multiple mammalian species, which suggests that this missense change does not adversely affect protein function. In summary, the available evidence is currently insufficient to determine the role of this variant in disease. Therefore, it has been classified as a Variant of Uncertain Significance.